The following is an entry in ClinVar:

ClinVar aggregate classification (germline): Uncertain significance (1 of 4 stars; one submission).

Conditions:
Hereditary cancer-predisposing syndrome. Also called: Neoplastic Syndromes, Hereditary; Tumor predisposition; Hereditary Cancer Syndrome; Hereditary neoplastic syndrome. Identifiers: Orphanet 140162, MedGen C0027672, MeSH D009386, MONDO:0015356.

Submission:

Ambry Genetics
Classification: Uncertain significance for Hereditary cancer-predisposing syndrome. Last evaluated: 2025-10-26. Review status: criteria provided, single submitter. Criteria: Ambry Variant Classification Scheme 2023. Collection method: clinical testing. Allele origin: germline.
Comment: The p.E1102G variant (also known as c.3305A>G), located in coding exon 21 of the RAD50 gene, results from an A to G substitution at nucleotide position 3305. The glutamic acid at codon 1102 is replaced by glycine, an amino acid with similar properties. This amino acid position is conserved. In addition, the in silico prediction for this alteration is inconclusive. Based on the available evidence, the clinical significance of this variant remains unclear.

NM_005732.4(RAD50):c.3305A>G (p.Glu1102Gly)

Gene: RAD50 (RAD50 double strand break repair protein; plus strand). Cytogenetic location: 5q31.1.
Variant type: single nucleotide variant.
Coding change: c.3305A>G on transcript NM_005732.4 (MANE Select); coding-DNA position 3305, A replaced by G.
Protein change: p.Glu1102Gly; replaces glutamic acid 1102 with glycine.
Molecular consequence: missense variant.
Genome position (GRCh38, 1-based): chr5:132,618,210, A>G. VCF-style: chr5-132618210-A-G. GRCh37 (hg19) VCF-style: chr5-131953902-A-G.
Other names: short protein forms E1102G.
Identifiers: ClinVar variation 4677988 (VCV004677988.1).
Genomic context (GRCh38, chr5:132,618,210, plus strand): 5'-AAGAAGAAATTATTCATTTTAAGAAAGAACTTCGAGAACCACAATTTCGGGATGCTGAGG[A>G]AAAGTATAGAGAAATGATGATTGTTATGAGGACAACAGAACTTGTGAACAAGGATCTGGA-3'
Protein context (NP_005723.2, residues 1092-1112): LREPQFRDAE[Glu1102Gly]KYREMMIVMR